The following is an entry in ClinVar:

NM_000057.4(BLM):c.3265C>G (p.Gln1089Glu)

Gene: BLM (BLM RecQ like helicase; plus strand). Cytogenetic location: 15q26.1.
Variant type: single nucleotide variant.
Coding change: c.3265C>G on transcript NM_000057.4 (MANE Select); coding-DNA position 3265, C replaced by G.
Protein change: p.Gln1089Glu; replaces glutamine 1089 with glutamic acid.
Molecular consequence: missense variant.
Genome position (GRCh38, 1-based): chr15:90,798,244, C>G. VCF-style: chr15-90798244-C-G. GRCh37 (hg19) VCF-style: chr15-91341474-C-G.
Other names: c.3265C>G, p.Gln1089Glu (NM_001287246.2, NM_001287247.2); c.2140C>G, p.Gln714Glu (NM_001287248.2); short protein forms Q1089E, Q714E.
Identifiers: ClinVar variation 1393303 (VCV001393303.6), dbSNP rs1406087403, ClinGen allele CA393847215.

ClinVar aggregate classification (germline): Uncertain significance (1 of 4 stars; one submission).

Conditions:
Bloom syndrome (BLM). Also called: Bloom-Torre-Machacek syndrome. Identifiers: Orphanet 125, MedGen C0005859, MONDO:0008876, OMIM 210900.

Allele frequency attached by ClinVar (database versions not stated): gnomAD exomes below 0.00001.
gnomAD v4.1: 1 of 1,611,184 alleles (0.000062%); highest among the groups gnomAD compares: East Asian, 0.0022%; no homozygotes.

Submission:

Labcorp Genetics (formerly Invitae), Labcorp
Classification: Uncertain significance for Bloom syndrome. Last evaluated: 2021-11-14. Review status: criteria provided, single submitter. Criteria: Invitae Variant Classification Sherloc (09022015). Collection method: clinical testing. Allele origin: germline.
Comment: This variant is not present in population databases (gnomAD no frequency). In summary, the available evidence is currently insufficient to determine the role of this variant in disease. Therefore, it has been classified as a Variant of Uncertain Significance. Algorithms developed to predict the effect of missense changes on protein structure and function (SIFT, PolyPhen-2, Align-GVGD) all suggest that this variant is likely to be tolerated. This variant has not been reported in the literature in individuals affected with BLM-related conditions. This sequence change replaces glutamine, which is neutral and polar, with glutamic acid, which is acidic and polar, at codon 1089 of the BLM protein (p.Gln1089Glu).